The following is an entry in ClinVar:

ClinVar aggregate classification (germline): Pathogenic (1 of 4 stars; one submission).

Conditions:
Luscan-Lumish syndrome. Identifiers: Orphanet 597738, MedGen C4085873, MONDO:0014791, OMIM 616831.

Submission:

Labcorp Genetics (formerly Invitae), Labcorp
Classification: Pathogenic for Luscan-Lumish syndrome. Last evaluated: 2020-09-11. Review status: criteria provided, single submitter. Criteria: Invitae Variant Classification Sherloc (09022015). Collection method: clinical testing. Allele origin: germline.
Comment: For these reasons, this variant has been classified as Pathogenic. Loss-of-function variants in SETD2 are known to be pathogenic (PMID: 24852293, 26084711). Algorithms developed to predict the effect of sequence changes on RNA splicing suggest that this variant may create or strengthen a splice site, but this prediction has not been confirmed by published transcriptional studies. This variant has not been reported in the literature in individuals with SETD2-related conditions. This variant is not present in population databases (ExAC no frequency). This sequence change creates a premature translational stop signal (p.Gly1726Valfs*16) in the SETD2 gene. It is expected to result in an absent or disrupted protein product.

Literature cited by the submitters: PubMed 24852293; PubMed 26084711.

NM_014159.7(SETD2):c.5177del (p.Gly1726fs)

Gene: SETD2 (SET domain containing 2, histone lysine methyltransferase; minus strand). Cytogenetic location: 3p21.31.
Variant type: Deletion.
Coding change: c.5177del on transcript NM_014159.7 (MANE Select); coding-DNA position 5177, one base deleted (G; older notation c.5177delG).
Protein change: p.Gly1726fs; shifts the reading frame from glycine 1726.
Molecular consequence: frameshift variant. On other transcripts: non-coding transcript variant (1).
Genome position (GRCh38, 1-based): chr3:47,088,213, C deleted on the plus strand (G on the coding strand, the reverse complement: SETD2 is on the minus strand); the first of 2 consecutive C bases (chr3:47,088,213-47,088,214); deleting either gives the same sequence. VCF-style (leftmost placement, unchanged base first): chr3-47088212-AC-A. GRCh37 (hg19) VCF-style: chr3-47129702-AC-A.
Other names: c.5045del, p.Gly1682fs (NM_001349370.3); short protein forms G1682fs, G1726fs.
Identifiers: ClinVar variation 1076326 (VCV001076326.5), dbSNP rs2107651620, ClinGen allele CA2499216803.